The following is an entry in ClinVar:

NC_000023.11:g.(?_31836698)_(32365219_?)del

Genes: DMD (dystrophin; minus strand), LOC129391296 (MPRA-validated peak7373 silencer; plus strand), LOC129391297 (MPRA-validated peak7374 silencer; plus strand). Cytogenetic location: Xp21.1.
Variant type: Deletion.
Identifiers: ClinVar variation 526148 (VCV000526148.8).

ClinVar aggregate classification (germline): Pathogenic (1 of 4 stars; one submission).

Conditions:
Duchenne muscular dystrophy (DMD). Also called: Duchenne Muscular Dystrophy (DMD); MUSCULAR DYSTROPHY, PSEUDOHYPERTROPHIC PROGRESSIVE, DUCHENNE TYPE. Identifiers: Orphanet 98896, MedGen C0013264, MONDO:0010679, OMIM 310200.

Submission:

Labcorp Genetics (formerly Invitae), Labcorp
Classification: Pathogenic for Duchenne muscular dystrophy. Last evaluated: 2021-08-12. Review status: criteria provided, single submitter. Criteria: Invitae Variant Classification Sherloc (09022015). Collection method: clinical testing. Allele origin: germline.
Comment: This variant is a gross deletion of the genomic region encompassing exon(s) 35-49 of the DMD gene. This variant would be expected to be in-frame, preserving the integrity of the reading frame. This variant has not been reported in the literature in individuals affected with DMD-related conditions. The region of the DMD gene that includes exon(s) 45-47 has been determined to be clinically significant (PMID: 16770791). Therefore, deletions that encompass that region are likely to be disease-causing. For these reasons, this variant has been classified as Pathogenic.

Literature cited by the submitters: PubMed 16770791.